The following is an entry in ClinVar:

NM_001135146.2(SLC39A8):c.382+1_382+12del

Gene: SLC39A8 (solute carrier family 39 member 8; minus strand). Cytogenetic location: 4q24.
Variant type: Deletion.
Coding change: c.382+1_382+12del on transcript NM_001135146.2 (MANE Select); the canonical splice donor site of the intron after coding-DNA position 382 through 12 bases into the intron after coding-DNA position 382, 12 bases deleted (GTATATTAGAAG).
Molecular consequence: splice donor variant.
Genome position (GRCh38, 1-based): chr4:102,315,656-102,315,667, CTTCTAATATAC deleted on the plus strand (GTATATTAGAAG on the coding strand, the reverse complement: SLC39A8 is on the minus strand); deleting any 12 consecutive bases within chr4:102,315,656-102,315,672 gives the same sequence; the c. name uses the placement nearest the transcript's 3' end. VCF-style (leftmost placement, unchanged base first): chr4-102315655-GCTTCTAATATAC-G. GRCh37 (hg19) VCF-style: chr4-103236812-GCTTCTAATATAC-G.
Other names: c.382+1_382+12del (NM_001135147.1, NM_022154.5); c.181+1_181+12del (NM_001135148.2).
Identifiers: ClinVar variation 1803420 (VCV001803420.1), dbSNP rs2476475763, ClinGen allele CA2580071258.
Genomic context (GRCh38, chr4:102,315,655, plus strand): 5'-GAGGCATATTAACTTCATTTCACAATGGTTCATAGACTTTTCAAATAAAAGAGAAAAAAT[GCTTCTAATATAC>G]CTTCTGAATGACTTGGTCTTGTTTTGTGCTTGGGCCGATCCTCACATGGGTGAAAGTTCA-3'

ClinVar aggregate classification (germline): Uncertain significance (1 of 4 stars; one submission).

Submission:

GeneDx
Classification: Uncertain significance. Last evaluated: 2022-06-06. Review status: criteria provided, single submitter. Criteria: GeneDx Variant Classification Process June 2021. Collection method: clinical testing. Allele origin: germline. Affected: yes.
Comment: Not observed at significant frequency in large population cohorts (gnomAD); Canonical splice site variant in a gene or region of a gene for which loss of function is not a well-established mechanism of disease; Has not been previously published as pathogenic or benign to our knowledge